The following is an entry in ClinVar:

NM_005560.6(LAMA5):c.2323+1G>A

Gene: LAMA5 (laminin subunit alpha 5; minus strand). Cytogenetic location: 20q13.33.
Variant type: single nucleotide variant.
Coding change: c.2323+1G>A on transcript NM_005560.6 (MANE Select); the canonical splice donor site of the intron after coding-DNA position 2323, G replaced by A.
Molecular consequence: splice donor variant.
Genome position (GRCh38, 1-based): chr20:62,336,339, C>T on the plus strand (G>A on the coding strand, the complement: LAMA5 is on the minus strand). VCF-style: chr20-62336339-C-T. GRCh37 (hg19) VCF-style: chr20-60911395-C-T.
Identifiers: ClinVar variation 1339240 (VCV001339240.2), dbSNP rs370966549, ClinGen allele CA9943509.
Genomic context (GRCh38, chr20:62,336,339, plus strand): 5'-ATACTTGTGGGCACAGTTCCCCAAGGAACCCCTGTACCCCAATACTCCAGGGCACACTCA[C>T]GGGTACAGCCCTCGGGGTTGCTGGGGCTCAGTCCCCAGAACCCAGGTTTGCAGCGGTCAC-3'

ClinVar aggregate classification (germline): Uncertain significance (1 of 4 stars; one submission).

Conditions:
Presynaptic congenital myasthenic syndrome. Also called: Presynaptic congenital myasthenic syndromes. Identifiers: Orphanet 98914, MedGen C0751884, MONDO:0700466, MONDO:0020345.

Allele frequency attached by ClinVar (database versions not stated): ExAC 0.00004; gnomAD exomes 0.00004; TOPMed 0.00005; gnomAD 0.00006; ESP Exome Variant Server 0.00008.
gnomAD v4.1: 144 of 1,601,710 alleles (0.009%); highest among the groups gnomAD compares: Non-Finnish European, 0.01%; no homozygotes.

Submission:

Neuberg Centre For Genomic Medicine, NCGM
Classification: Uncertain significance for presynaptic congenital myasthenic syndrome. Review status: criteria provided, single submitter. Criteria: ACMG Guidelines, 2015. Collection method: clinical testing. Allele origin: germline. Affected: yes.
Comment: The splice donor variant c.2323+1G>A in LAMA5 (NM_005560.6) has not been reported previously as a pathogenic variant nor as a benign variant, to our knowledge. This variant affects an invariant splice nucleotide and hence would lead to protein truncation. The gene has been reported to be tolerant to loss of function mutations in the gnomAD database but the same has been flagged and hence might not represent an accurate estimation. In silico tools predict disruption of splice site. For these reasons, this variant has been classified as Uncertain Significance.